The following is an entry in ClinVar:

NM_003900.5(SQSTM1):c.571G>T (p.Gly191Ter)

Gene: SQSTM1 (sequestosome 1; plus strand). Cytogenetic location: 5q35.3.
Variant type: single nucleotide variant.
Coding change: c.571G>T on transcript NM_003900.5 (MANE Select); coding-DNA position 571, G replaced by T.
Protein change: p.Gly191Ter; replaces glycine 191 with a stop codon.
Molecular consequence: nonsense.
Genome position (GRCh38, 1-based): chr5:179,824,221, G>T. VCF-style: chr5-179824221-G-T. GRCh37 (hg19) VCF-style: chr5-179251221-G-T.
Other names: c.319G>T, p.Gly107Ter (NM_001142298.2, NM_001142299.2); short protein forms G107*, G191*.
Identifiers: ClinVar variation 3750300 (VCV003750300.2).
Genomic context (GRCh38, chr5:179,824,221, plus strand): 5'-CTCTGCTAATTCCTCCCCCAGGGCTTCTCGCACAGCCGCTGGCTCCGGAAGGTGAAACAC[G>T]GACACTTCGGGTGGCCAGGATGGGAAATGGGTCCACCAGGAAACTGGAGCCCACGTCCTC-3'

ClinVar aggregate classification (germline): Pathogenic (1 of 4 stars; one submission).

Conditions:
Frontotemporal dementia and/or amyotrophic lateral sclerosis 1 (FTDALS1). Also called: Frontotemporal dementia with motor neuron disease 1; C9orf72 Frontotemporal Dementia and/or Amyotrophic Lateral Sclerosis. Identifiers: Orphanet 275872, MedGen C5779877, MONDO:0007105, OMIM 105550.
Paget disease of bone 2, early-onset (PDB2). Also called: Paget disease of bone 2. Identifiers: MedGen C4085251, MONDO:0011183, OMIM 602080.

Submission:

Labcorp Genetics (formerly Invitae), Labcorp
Classification: Pathogenic for Paget disease of bone 2, early-onset; Frontotemporal dementia and/or amyotrophic lateral sclerosis 1. Last evaluated: 2024-02-23. Review status: criteria provided, single submitter. Criteria: Invitae Variant Classification Sherloc (09022015). Collection method: clinical testing. Allele origin: germline.
Comment: This sequence change creates a premature translational stop signal (p.Gly191*) in the SQSTM1 gene. It is expected to result in an absent or disrupted protein product. Loss-of-function variants in SQSTM1 are known to be pathogenic (PMID: 27545679, 29959261). This variant is not present in population databases (gnomAD no frequency). This variant has not been reported in the literature in individuals affected with SQSTM1-related conditions. For these reasons, this variant has been classified as Pathogenic.

Literature cited by the submitters: PubMed 27545679; PubMed 29959261.